The following is an entry in ClinVar:

NM_173630.4(RTTN):c.5745+13G>T

Gene: RTTN (rotatin; minus strand). Cytogenetic location: 18q22.2.
Variant type: single nucleotide variant.
Coding change: c.5745+13G>T on transcript NM_173630.4 (MANE Select); 13 bases into the intron after coding-DNA position 5745, G replaced by T.
Molecular consequence: intron variant.
Genome position (GRCh38, 1-based): chr18:70,029,999, C>A on the plus strand (G>T on the coding strand, the complement: RTTN is on the minus strand). VCF-style: chr18-70029999-C-A. GRCh37 (hg19) VCF-style: chr18-67697235-C-A.
Other names: c.3009+13G>T (NM_001318520.2).
Identifiers: ClinVar variation 381801 (VCV000381801.13), dbSNP rs144392822, ClinGen allele CA8994867.

ClinVar aggregate classification (germline): Benign/Likely benign. Review status: criteria provided, multiple submitters, no conflicts (2 of 4 stars). 5 submissions from 5 submitters: Benign (3); Likely benign (2). Last evaluated 2026-01-21.

Conditions:
Microcephalic primordial dwarfism due to RTTN deficiency (MSSP). Also called: MICROCEPHALY, SHORT STATURE, AND POLYMICROGYRIA; Microcephaly, short stature, and polymicrogyria with or without seizures. Identifiers: Orphanet 468631, MedGen C3553831, MONDO:0018764, OMIM 614833.

Allele frequency attached by ClinVar (database versions not stated): gnomAD 0.00745; 1000 Genomes Project 0.00180; 1000 Genomes Project 30x 0.00187; ExAC 0.00680; TOPMed 0.00566; ESP Exome Variant Server 0.00675; gnomAD exomes 0.00638.
gnomAD v4.1: 13,890 of 1,592,006 alleles (0.87%); highest among the groups gnomAD compares: Non-Finnish European, 1%; 82 homozygotes.

Submissions (8):

Labcorp Genetics (formerly Invitae), Labcorp
Classification: Benign. Last evaluated: 2026-01-21. Review status: criteria provided, single submitter. Criteria: Invitae Variant Classification Sherloc (09022015). Collection method: clinical testing. Allele origin: germline.

Genomic Medicine Center of Excellence, King Faisal Specialist Hospital and Research Centre
Classification: Likely benign. Last evaluated: 2025-08-18. Review status: criteria provided, single submitter. Criteria: ACMG Guidelines, 2015. Collection method: clinical testing. Allele origin: germline.

Fulgent Genetics
Classification: Likely benign for Microcephalic primordial dwarfism due to RTTN deficiency. Last evaluated: 2022-05-27. Review status: criteria provided, single submitter. Criteria: ACMG Guidelines, 2015. Collection method: clinical testing. Allele origin: unknown.

GeneDx
Classification: Benign. Last evaluated: 2016-06-22. Review status: criteria provided, single submitter. Criteria: GeneDx Variant Classification (06012015). Collection method: clinical testing. Allele origin: germline. Affected: yes.
Comment: This variant is considered likely benign or benign based on one or more of the following criteria: it is a conservative change, it occurs at a poorly conserved position in the protein, it is predicted to be benign by multiple in silico algorithms, and/or has population frequency not consistent with disease.

Breakthrough Genomics
Classification: Benign. Review status: criteria provided, single submitter. Criteria: ACMG Guidelines, 2015. Collection method: not provided. Allele origin: germline. Inheritance: Autosomal recessive inheritance. Affected: yes.

Dr. Peter K. Rogan Lab, Western University
No classification provided (evidence only). Condition: Sarcoma. Review status: no classification provided. Collection method: in vitro. Allele origin: not applicable. Functional consequence: retained intron. Not counted in ClinVar's aggregate classification.

Dr. Peter K. Rogan Lab, Western University
No classification provided (evidence only). Condition: Uveal melanoma. Review status: no classification provided. Collection method: in vitro. Allele origin: not applicable. Functional consequence: retained intron. Not counted in ClinVar's aggregate classification.

Dr. Peter K. Rogan Lab, Western University
No classification provided (evidence only). Condition: Malignant tumor of esophagus. Review status: no classification provided. Collection method: in vitro. Allele origin: not applicable. Functional consequence: retained intron. Not counted in ClinVar's aggregate classification.